The following is an entry in ClinVar:

NM_015559.3(SETBP1):c.3338A>G (p.His1113Arg)

Gene: SETBP1 (SET binding protein 1; plus strand). Cytogenetic location: 18q12.3.
Variant type: single nucleotide variant.
Coding change: c.3338A>G on transcript NM_015559.3 (MANE Select); coding-DNA position 3338, A replaced by G.
Protein change: p.His1113Arg; replaces histidine 1113 with arginine.
Molecular consequence: missense variant.
Genome position (GRCh38, 1-based): chr18:44,952,678, A>G. VCF-style: chr18-44952678-A-G. GRCh37 (hg19) VCF-style: chr18-42532643-A-G.
Other names: c.3338A>G, p.His1113Arg (NM_001379141.1, NM_001379142.1, NM_001410862.1); short protein forms H1113R.
Identifiers: ClinVar variation 2815639 (VCV002815639.3), dbSNP rs2511475566, ClinGen allele CA402324218.

ClinVar aggregate classification (germline): Uncertain significance (1 of 4 stars; one submission).

Allele frequency attached by ClinVar (database versions not stated): gnomAD exomes below 0.00001.
gnomAD v4.1: 1 of 1,614,166 alleles (0.000062%); highest among the groups gnomAD compares: Non-Finnish European, 0.000085%; no homozygotes.

Submission:

Labcorp Genetics (formerly Invitae), Labcorp
Classification: Uncertain significance. Last evaluated: 2024-07-15. Review status: criteria provided, single submitter. Criteria: Invitae Variant Classification Sherloc (09022015). Collection method: clinical testing. Allele origin: germline.
Comment: This sequence change replaces histidine, which is basic and polar, with arginine, which is basic and polar, at codon 1113 of the SETBP1 protein (p.His1113Arg). This variant is not present in population databases (gnomAD no frequency). This variant has not been reported in the literature in individuals affected with SETBP1-related conditions. Advanced modeling of protein sequence and biophysical properties (such as structural, functional, and spatial information, amino acid conservation, physicochemical variation, residue mobility, and thermodynamic stability) performed at Invitae indicates that this missense variant is expected to disrupt SETBP1 protein function with a positive predictive value of 80%. In summary, the available evidence is currently insufficient to determine the role of this variant in disease. Therefore, it has been classified as a Variant of Uncertain Significance.